The following is an entry in ClinVar:

ClinVar aggregate classification (germline): Conflicting classifications of pathogenicity. Review status: criteria provided, conflicting classifications (1 of 4 stars). 3 submissions from 3 submitters: Uncertain significance (1); Benign (1); Likely benign (1). Last evaluated 2025-05-12.

Conditions:
Hereditary cancer-predisposing syndrome. Also called: Tumor predisposition; Hereditary Cancer Syndrome; Neoplastic Syndromes, Hereditary; Hereditary neoplastic syndrome. Identifiers: Orphanet 140162, MedGen C0027672, MeSH D009386, MONDO:0015356.
Familial cancer of breast. Also called: Hereditary breast cancer; BREAST CANCER, FAMILIAL; hereditary breast carcinoma. Identifiers: Orphanet 227535, MedGen C0346153, MONDO:0016419, OMIM 114480. Disease mechanism: loss of function.

Submissions (3):

Color Diagnostics, LLC DBA Color Health
Classification: Uncertain significance for Hereditary cancer-predisposing syndrome. Last evaluated: 2025-05-12. Review status: criteria provided, single submitter. Criteria: ACMG Guidelines, 2015. Collection method: clinical testing. Allele origin: germline.
Comment: This variant is located in the BRIP1 protein. To our knowledge, functional studies have not been reported for this variant. This variant has not been reported in individuals affected with BRIP1-related disorders in the literature. This variant has not been identified in the general population by the Genome Aggregation Database (gnomAD). The available evidence is insufficient to determine the role of this variant in disease conclusively. Therefore, this variant is classified as a Variant of Uncertain Significance.

Myriad Genetics, Inc.
Classification: Benign for Familial cancer of breast. Last evaluated: 2024-09-05. Review status: criteria provided, single submitter. Criteria: Myriad Autosomal Dominant, Autosomal Recessive and X-Linked Classification Criteria (2023). Collection method: clinical testing. Allele origin: unknown.
Comment: This variant is considered benign. This variant is a silent/synonymous amino acid change and it is not expected to impact splicing.

Ambry Genetics
Classification: Likely benign for Hereditary cancer-predisposing syndrome. Last evaluated: 2021-10-07. Review status: criteria provided, single submitter. Criteria: Ambry Variant Classification Scheme 2023. Collection method: clinical testing. Allele origin: germline.

NM_032043.3(BRIP1):c.2530C>T (p.Leu844=)

Gene: BRIP1 (BRCA1 interacting DNA helicase 1; minus strand). Cytogenetic location: 17q23.2.
Variant type: single nucleotide variant.
Coding change: c.2530C>T on transcript NM_032043.3 (MANE Select); coding-DNA position 2530, C replaced by T.
Protein change: p.Leu844=; no amino-acid change (leucine 844 retained).
Molecular consequence: synonymous variant.
Genome position (GRCh38, 1-based): chr17:61,693,475, G>A on the plus strand (C>T on the coding strand, the complement: BRIP1 is on the minus strand). VCF-style: chr17-61693475-G-A. GRCh37 (hg19) VCF-style: chr17-59770836-G-A.
Identifiers: ClinVar variation 1792696 (VCV001792696.4), dbSNP rs2544604439, ClinGen allele CA501144683.
Genomic context (GRCh38, chr17:61,693,475, plus strand): 5'-CAGCTGAGATCTTACCAGATATATAGCGACTTGGGTTATTCCTAAAGCGATCATCCACTA[G>A]AATAAGAGCTCCCCAATCATTTCTGTGTCTAATACATCTAGAAAAAATAGGGAAAAAGTC-3'
Protein context (NP_114432.2, residues 834-854): RHRNDWGALI[Leu844=]VDDRFRNNPS